The following is an entry in ClinVar:

NM_003072.5(SMARCA4):c.635G>A (p.Gly212Glu)

Gene: SMARCA4 (SWI/SNF related BAF chromatin remodeling complex subunit ATPase 4; plus strand). Cytogenetic location: 19p13.2.
Variant type: single nucleotide variant.
Coding change: c.635G>A on transcript NM_003072.5 (MANE Select); coding-DNA position 635, G replaced by A.
Protein change: p.Gly212Glu; replaces glycine 212 with glutamic acid.
Molecular consequence: missense variant. On other transcripts: non-coding transcript variant (1).
Genome position (GRCh38, 1-based): chr19:10,986,468, G>A. VCF-style: chr19-10986468-G-A. GRCh37 (hg19) VCF-style: chr19-11097144-G-A.
Other names: c.635G>A, p.Gly212Glu (NM_001128844.3, NM_001128845.2, NM_001128846.2 and 4 more transcripts); short protein forms G212E.
Identifiers: ClinVar variation 826347 (VCV000826347.6), dbSNP rs1599951683, ClinGen allele CA404056709.

ClinVar aggregate classification (germline): Uncertain significance. Review status: criteria provided, multiple submitters, no conflicts (2 of 4 stars). 2 submissions from 2 submitters: Uncertain significance (2). Last evaluated 2025-06-01.

Conditions:
Hereditary cancer-predisposing syndrome. Also called: Neoplastic Syndromes, Hereditary; Tumor predisposition; Hereditary neoplastic syndrome; Hereditary Cancer Syndrome. Identifiers: Orphanet 140162, MedGen C0027672, MeSH D009386, MONDO:0015356.
Rhabdoid tumor predisposition syndrome 2 (RTPS2). Identifiers: Orphanet 231108, Orphanet 69077, MedGen C2750074, MONDO:0013224, OMIM 613325.

Submissions (2):

Labcorp Genetics (formerly Invitae), Labcorp
Classification: Uncertain significance for Rhabdoid tumor predisposition syndrome 2. Last evaluated: 2025-06-01. Review status: criteria provided, single submitter. Criteria: Invitae Variant Classification Sherloc (09022015). Collection method: clinical testing. Allele origin: germline.
Comment: This sequence change replaces glycine, which is neutral and non-polar, with glutamic acid, which is acidic and polar, at codon 212 of the SMARCA4 protein (p.Gly212Glu). This variant is not present in population databases (gnomAD no frequency). This variant has not been reported in the literature in individuals affected with SMARCA4-related conditions. ClinVar contains an entry for this variant (Variation ID: 826347). Invitae Evidence Modeling of protein sequence and biophysical properties (such as structural, functional, and spatial information, amino acid conservation, physicochemical variation, residue mobility, and thermodynamic stability) indicates that this missense variant is not expected to disrupt SMARCA4 protein function with a negative predictive value of 95%. In summary, the available evidence is currently insufficient to determine the role of this variant in disease. Therefore, it has been classified as a Variant of Uncertain Significance.

Ambry Genetics
Classification: Uncertain significance for Hereditary cancer-predisposing syndrome. Last evaluated: 2024-05-07. Review status: criteria provided, single submitter. Criteria: Ambry Variant Classification Scheme 2023. Collection method: clinical testing. Allele origin: germline.
Comment: The p.G212E variant (also known as c.635G>A), located in coding exon 3 of the SMARCA4 gene, results from a G to A substitution at nucleotide position 635. The glycine at codon 212 is replaced by glutamic acid, an amino acid with similar properties. This amino acid position is highly conserved in available vertebrate species. In addition, the in silico prediction for this alteration is inconclusive. Based on the available evidence, the clinical significance of this variant remains unclear.